The following is an entry in ClinVar:

ClinVar aggregate classification (germline): Uncertain significance. Review status: criteria provided, multiple submitters, no conflicts (2 of 4 stars). 2 submissions from 2 submitters: Uncertain significance (2). Last evaluated 2025-11-03.

Conditions:
Cystic fibrosis (CF). Also called: MUCOVISCIDOSIS. Identifiers: Orphanet 586, MedGen C0010674, MONDO:0009061, OMIM 219700. Disease mechanism: loss of function.

Submissions (2):

Women's Health and Genetics/Laboratory Corporation of America, LabCorp
Classification: Uncertain significance. Last evaluated: 2025-11-03. Review status: criteria provided, single submitter. Criteria: LabCorp Variant Classification Summary - May 2015. Collection method: clinical testing. Allele origin: germline.
Comment: Variant summary: CFTR c.1043T>C (p.Met348Thr) results in a non-conservative amino acid change located in the ABC transporter type 1, transmembrane domain (IPR011527) of the encoded protein sequence. Algorithms developed to predict the effect of missense changes on protein structure and function all suggest that this variant is likely to be disruptive. The variant was absent in 251176 control chromosomes. The available data on variant occurrences in the general population are insufficient to allow any conclusion about variant significance. To our knowledge, no occurrence of c.1043T>C in individuals affected with CFTR-related conditions and no experimental evidence demonstrating its impact on protein function have been reported. ClinVar contains an entry for this variant (Variation ID: 2562522). Based on the evidence outlined above, the variant was classified as uncertain significance.

Ambry Genetics
Classification: Uncertain significance for Cystic fibrosis. Last evaluated: 2023-06-04. Review status: criteria provided, single submitter. Criteria: Ambry Variant Classification Scheme 2023. Collection method: clinical testing. Allele origin: germline.
Comment: The p.M348T variant (also known as c.1043T>C), located in coding exon 8 of the CFTR gene, results from a T to C substitution at nucleotide position 1043. The methionine at codon 348 is replaced by threonine, an amino acid with similar properties. This amino acid position is highly conserved in available vertebrate species. In addition, this alteration is predicted to be deleterious by in silico analysis. Since supporting evidence is limited at this time, the clinical significance of this alteration remains unclear.

NM_000492.4(CFTR):c.1043T>C (p.Met348Thr)

Gene: CFTR (CF transmembrane conductance regulator; plus strand). Cytogenetic location: 7q31.2.
Variant type: single nucleotide variant.
Coding change: c.1043T>C on transcript NM_000492.4 (MANE Select); coding-DNA position 1043, T replaced by C.
Protein change: p.Met348Thr; replaces methionine 348 with threonine.
Molecular consequence: missense variant.
Genome position (GRCh38, 1-based): chr7:117,540,273, T>C. VCF-style: chr7-117540273-T-C. GRCh37 (hg19) VCF-style: chr7-117180327-T-C.
Other names: short protein forms M348T.
Identifiers: ClinVar variation 2562522 (VCV002562522.4), dbSNP rs142920240, ClinGen allele CA368978875.